The following is an entry in ClinVar:

NM_001458.5(FLNC):c.3636C>G (p.Tyr1212Ter)

Gene: FLNC (filamin C; plus strand). Cytogenetic location: 7q32.1.
Variant type: single nucleotide variant.
Coding change: c.3636C>G on transcript NM_001458.5 (MANE Select); coding-DNA position 3636, C replaced by G.
Protein change: p.Tyr1212Ter; replaces tyrosine 1212 with a stop codon.
Molecular consequence: nonsense.
Genome position (GRCh38, 1-based): chr7:128,845,101, C>G. VCF-style: chr7-128845101-C-G. GRCh37 (hg19) VCF-style: chr7-128485155-C-G.
Other names: c.3636C>G, p.Tyr1212Ter (NM_001127487.2); short protein forms Y1212*.
Identifiers: ClinVar variation 2574071 (VCV002574071.2), dbSNP rs1175359759, ClinGen allele CA369197466.
Genomic context (GRCh38, chr7:128,845,101, plus strand): 5'-CCTGTCGGATGCCGGGGTCAAGGCCGAGGTGCTGATCCACAACAACGCGGATGGCACCTA[C>G]CACATCACCTACAGCCCTGCCTTCCCTGGCACCTACACCATTACCATCAAGTATGGCGGG-3'

ClinVar aggregate classification (germline): Pathogenic. Review status: criteria provided, single submitter (1 of 4 stars). 2 submissions from 2 submitters: Pathogenic (1). 1 of the submissions does not count toward it. Last evaluated 2026-05-26.

Conditions:
Hypertrophic cardiomyopathy 26. Also called: Cardiomyopathy, familial hypertrophic, 26. Identifiers: Orphanet 75249, MedGen C4310749, MONDO:0014883, OMIM 617047.
Cardiovascular phenotype. Identifiers: MedGen CN230736.

Allele frequency attached by ClinVar (database versions not stated): gnomAD exomes below 0.00001.
gnomAD v4.1: 1 of 1,613,982 alleles (0.000062%); no homozygotes.

Submissions (2):

Ambry Genetics
Classification: Pathogenic for Cardiovascular phenotype. Last evaluated: 2026-05-26. Review status: criteria provided, single submitter. Criteria: Ambry Variant Classification Scheme 2023. Collection method: clinical testing. Allele origin: germline.
Comment: The p.Y1212* pathogenic mutation (also known as c.3636C>G), located in coding exon 21 of the FLNC gene, results from a C to G substitution at nucleotide position 3636. This changes the amino acid from a tyrosine to a stop codon within coding exon 21. This variant is considered to be rare based on population cohorts in the Genome Aggregation Database (gnomAD). This alteration is expected to result in loss of function by premature protein truncation or nonsense-mediated mRNA decay. As such, this alteration is interpreted as a disease-causing mutation for dilated cardiomyopathy; however, its clinical significance for hypertrophic/restrictive cardiomyopathy and/or skeletal myopathy is uncertain.

deCODE genetics, Amgen
Classification: Likely pathogenic for Hypertrophic cardiomyopathy 26. Last evaluated: 2023-07-21. Review status: no assertion criteria provided. Collection method: research. Allele origin: germline. Affected: yes. Observed: 1 variant allele. Not counted in ClinVar's aggregate classification.
Comment: The variant NM_001458.5:c.3636C>G (chr7:128845101) in FLNC was detected in 1 heterozygote out of 58K WGS Icelanders (MAF= 0,001%). This variant has not been reported in ClinVar previously. Based on ACMG criteria (PVS1, PM2) this variant classifies as likely pathogenic.